The following is an entry in ClinVar:

ClinVar aggregate classification (germline): Conflicting classifications of pathogenicity. Review status: criteria provided, conflicting classifications (1 of 4 stars). 4 submissions from 4 submitters: Uncertain significance (3); Likely benign (1). Last evaluated 2025-09-16.

Conditions:
Hereditary cancer-predisposing syndrome. Also called: Hereditary neoplastic syndrome; Hereditary Cancer Syndrome; Tumor predisposition; Neoplastic Syndromes, Hereditary. Identifiers: Orphanet 140162, MedGen C0027672, MeSH D009386, MONDO:0015356.
Hereditary breast ovarian cancer syndrome. Also called: Breast and ovarian cancer; Hereditary breast and ovarian cancer; BRCA1- and BRCA2-Associated Hereditary Breast and Ovarian Cancer; Hereditary breast and/or ovarian cancer syndrome; Hereditary breast and ovarian cancer syndrome; Hereditary breast and ovarian cancer syndrome (HBOC). Identifiers: Orphanet 145, MedGen C0677776, MeSH D061325, MONDO:0003582. Disease mechanism: loss of function.

Submissions (4):

Labcorp Genetics (formerly Invitae), Labcorp
Classification: Uncertain significance for Hereditary breast ovarian cancer syndrome. Last evaluated: 2025-09-16. Review status: criteria provided, single submitter. Criteria: Invitae Variant Classification Sherloc (09022015). Collection method: clinical testing. Allele origin: germline.
Comment: This sequence change replaces glycine, which is neutral and non-polar, with arginine, which is basic and polar, at codon 535 of the BRCA1 protein (p.Gly535Arg). This variant is not present in population databases (gnomAD no frequency). This variant has not been reported in the literature in individuals affected with BRCA1-related conditions. ClinVar contains an entry for this variant (Variation ID: 438913). Invitae Evidence Modeling of protein sequence and biophysical properties (such as structural, functional, and spatial information, amino acid conservation, physicochemical variation, residue mobility, and thermodynamic stability) indicates that this missense variant is not expected to disrupt BRCA1 protein function with a negative predictive value of 80%. In summary, the available evidence is currently insufficient to determine the role of this variant in disease. Therefore, it has been classified as a Variant of Uncertain Significance.

Quest Diagnostics Nichols Institute San Juan Capistrano
Classification: Uncertain significance. Last evaluated: 2023-07-21. Review status: criteria provided, single submitter. Criteria: Quest Diagnostics criteria. Collection method: clinical testing. Allele origin: unknown.
Comment: In the published literature, this variant has been described to be located in a region of the BRCA1 gene that is tolerant to missense sequence changes (PMID: 31911673 (2020)). This variant has not been reported in individuals with BRCA1-related disorders. It also has not been reported in large, multi-ethnic general populations (Genome Aggregation Database). Analysis of this variant using bioinformatics tools for the prediction of the effect of amino acid changes on protein structure and function yielded predictions that this variant is benign. Based on the available information, we are unable to determine the clinical significance of this variant.

Ambry Genetics
Classification: Uncertain significance for Hereditary cancer-predisposing syndrome. Last evaluated: 2023-06-04. Review status: criteria provided, single submitter. Criteria: Ambry Variant Classification Scheme 2023. Collection method: clinical testing. Allele origin: germline.
Comment: The p.G535R variant (also known as c.1603G>A), located in coding exon 9 of the BRCA1 gene, results from a G to A substitution at nucleotide position 1603. The glycine at codon 535 is replaced by arginine, an amino acid with dissimilar properties. This amino acid position is not well conserved in available vertebrate species. In addition, the in silico prediction for this alteration is inconclusive. Since supporting evidence is limited at this time, the clinical significance of this alteration remains unclear.

University of Washington Department of Laboratory Medicine, University of Washington
Classification: Likely benign for Hereditary cancer-predisposing syndrome. Last evaluated: 2023-03-23. Review status: criteria provided, single submitter. Criteria: Dines et al. (Genet Med. 2020). Collection method: curation. Allele origin: germline.
Comment: Missense variant in a coldspot region where missense variants are very unlikely to be pathogenic (PMID:31911673).

BRCA1 coldspot (exon 11 using historical exon numbering). Reclassification based on statistical prior probability

Literature cited by the submitters: PubMed 31911673 (cited by Quest Diagnostics Nichols Institute San Juan Capistrano); PubMed 30702160 (cited by Quest Diagnostics Nichols Institute San Juan Capistrano).

NM_007294.4(BRCA1):c.1603G>A (p.Gly535Arg)

Gene: BRCA1 (BRCA1 DNA repair associated; minus strand). Cytogenetic location: 17q21.31.
Variant type: single nucleotide variant.
Coding change: c.1603G>A on transcript NM_007294.4 (MANE Select); coding-DNA position 1603, G replaced by A.
Protein change: p.Gly535Arg; replaces glycine 535 with arginine.
Molecular consequence: missense variant. On other transcripts: intron variant (137).
Genome position (GRCh38, 1-based): chr17:43,093,928, C>T on the plus strand (G>A on the coding strand, the complement: BRCA1 is on the minus strand). VCF-style: chr17-43093928-C-T. GRCh37 (hg19) VCF-style: chr17-41245945-C-T.
Other names: c.1480G>A, p.Gly494Arg (NM_001407938.1, NM_001407939.1, NM_001407648.1 and 19 more transcripts); c.1477G>A, p.Gly493Arg (NM_001407940.1, NM_001407941.1, NM_001407649.1 and 11 more transcripts); c.1270G>A, p.Gly424Arg (NM_001407946.1, NM_001407947.1, NM_001407948.1 and 6 more transcripts); c.1267G>A, p.Gly423Arg (NM_001407954.1, NM_001407955.1, NM_001407956.1 and 1 more transcripts); c.1462G>A, p.Gly488Arg (NM_001407942.1, NM_001407944.1, NM_001407945.1 and 29 more transcripts); c.1459G>A, p.Gly487Arg (NM_001407943.1, NM_001407964.1, NM_001407740.1 and 20 more transcripts); c.1222G>A, p.Gly408Arg (NM_001407959.1, NM_001407960.1, NM_001407963.1); c.1219G>A, p.Gly407Arg (NM_001407962.1); and 40 more; short protein forms G535R, G488R, G239R, G407R, G423R, G494R, G408R, G446R.
Identifiers: ClinVar variation 438913 (VCV000438913.15), dbSNP rs1555591488, ClinGen allele CA10598836.